The following is an entry in ClinVar:

NM_000245.4(MET):c.700T>C (p.Tyr234His)

Gene: MET (MET proto-oncogene, receptor tyrosine kinase; plus strand). Cytogenetic location: 7q31.2.
Variant type: single nucleotide variant.
Coding change: c.700T>C on transcript NM_000245.4 (MANE Select); coding-DNA position 700, T replaced by C.
Protein change: p.Tyr234His; replaces tyrosine 234 with histidine.
Molecular consequence: missense variant. On other transcripts: intron variant (1).
Genome position (GRCh38, 1-based): chr7:116,699,784, T>C. VCF-style: chr7-116699784-T-C. GRCh37 (hg19) VCF-style: chr7-116339838-T-C.
Other names: c.700T>C, p.Tyr234His (NM_001127500.3, NM_001324401.3); c.-91+27207T>C (NM_001324402.2); short protein forms Y234H.
Identifiers: ClinVar variation 1756685 (VCV001756685.7), dbSNP rs2116595685, ClinGen allele CA368969655.

ClinVar aggregate classification (germline): Uncertain significance. Review status: criteria provided, multiple submitters, no conflicts (2 of 4 stars). 2 submissions from 2 submitters: Uncertain significance (2). Last evaluated 2026-06-03.

Conditions:
Renal cell carcinoma. Identifiers: Orphanet 217071, MedGen C0007134, MeSH D002292, MONDO:0005086, HP:0005584.
Hereditary cancer-predisposing syndrome. Also called: Neoplastic Syndromes, Hereditary; Tumor predisposition; Hereditary Cancer Syndrome; Hereditary neoplastic syndrome. Identifiers: Orphanet 140162, MedGen C0027672, MeSH D009386, MONDO:0015356.

Allele frequency attached by ClinVar (database versions not stated): gnomAD exomes below 0.00001.
gnomAD v4.1: 3 of 1,614,162 alleles (0.00019%); highest among the groups gnomAD compares: South Asian, 0.0011%; no homozygotes.

Submissions (2):

Ambry Genetics
Classification: Uncertain significance for Hereditary cancer-predisposing syndrome. Last evaluated: 2026-06-03. Review status: criteria provided, single submitter. Criteria: Ambry Variant Classification Scheme 2023. Collection method: clinical testing. Allele origin: germline.
Comment: The p.Y234H variant (also known as c.700T>C), located in coding exon 1 of the MET gene, results from a T to C substitution at nucleotide position 700. The tyrosine at codon 234 is replaced by histidine, an amino acid with similar properties. This amino acid position is conserved. In addition, this alteration is predicted to be tolerated by in silico analysis. Since supporting evidence is limited at this time, the clinical significance of this alteration remains unclear.

Labcorp Genetics (formerly Invitae), Labcorp
Classification: Uncertain significance for Renal cell carcinoma. Last evaluated: 2024-01-16. Review status: criteria provided, single submitter. Criteria: Invitae Variant Classification Sherloc (09022015). Collection method: clinical testing. Allele origin: germline.
Comment: This sequence change replaces tyrosine, which is neutral and polar, with histidine, which is basic and polar, at codon 234 of the MET protein (p.Tyr234His). This variant is not present in population databases (gnomAD no frequency). This variant has not been reported in the literature in individuals affected with MET-related conditions. ClinVar contains an entry for this variant (Variation ID: 1756685). An algorithm developed to predict the effect of missense changes on protein structure and function (PolyPhen-2) suggests that this variant is likely to be disruptive. In summary, the available evidence is currently insufficient to determine the role of this variant in disease. Therefore, it has been classified as a Variant of Uncertain Significance.